The following is an entry in ClinVar:

ClinVar aggregate classification (germline): Pathogenic (1 of 4 stars; one submission).

Submission:

Labcorp Genetics (formerly Invitae), Labcorp
Classification: Pathogenic. Last evaluated: 2022-07-11. Review status: criteria provided, single submitter. Criteria: Invitae Variant Classification Sherloc (09022015). Collection method: clinical testing. Allele origin: germline.
Comment: For these reasons, this variant has been classified as Pathogenic. This variant has not been reported in the literature in individuals affected with KIF11-related conditions. This variant is a gross deletion of the genomic region encompassing exon(s) 1-18 of the KIF11 gene, which includes the initiator codon. This deletion extends beyond the assayed region for this gene and therefore may encompass additional genes. It is expected to result in an absent or disrupted protein product. Loss-of-function variants in KIF11 are known to be pathogenic (PMID: 22284827, 24281367).

Literature cited by the submitters: PubMed 22284827; PubMed 24281367.

NC_000010.10:g.(?_94353133)_(94405419_?)del

Gene: KIF11 (kinesin family member 11; plus strand). Cytogenetic location: 10q23.33.
Variant type: Deletion.
Identifiers: ClinVar variation 2425140 (VCV002425140.4).